The following is an entry in ClinVar:

ClinVar aggregate classification (germline): Pathogenic. Review status: criteria provided, multiple submitters, no conflicts (2 of 4 stars). 3 submissions from 3 submitters: Pathogenic (2). 1 of the submissions does not count toward it. Last evaluated 2025-02-09.

Conditions:
Neuronal ceroid lipofuscinosis 2. Also called: TPP1-Related Neuronal Ceroid-Lipofuscinosis; JANSKY-BIELSCHOWSKY DISEASE NEURONAL CEROID LIPOFUSCINOSIS, LATE INFANTILE. Identifiers: Orphanet 168491, Orphanet 228349, Orphanet 79264, MedGen C1876161, MONDO:0008769, OMIM 204500.

Allele frequency attached by ClinVar (database versions not stated): gnomAD exomes below 0.00001.

Submissions (3):

Labcorp Genetics (formerly Invitae), Labcorp
Classification: Pathogenic. Last evaluated: 2025-02-09. Review status: criteria provided, single submitter. Criteria: Invitae Variant Classification Sherloc (09022015). Collection method: clinical testing. Allele origin: germline.
Comment: This sequence change creates a premature translational stop signal (p.Asn313Argfs*15) in the TPP1 gene. It is expected to result in an absent or disrupted protein product. Loss-of-function variants in TPP1 are known to be pathogenic (PMID: 10330339). This variant is not present in population databases (gnomAD no frequency). This variant has not been reported in the literature in individuals affected with TPP1-related conditions. ClinVar contains an entry for this variant (Variation ID: 280248). Algorithms developed to predict the effect of sequence changes on RNA splicing suggest that this variant may disrupt the consensus splice site. For these reasons, this variant has been classified as Pathogenic.

GeneDx
Classification: Pathogenic. Last evaluated: 2019-09-03. Review status: criteria provided, single submitter. Criteria: GeneDx Variant Classification Process June 2021. Collection method: clinical testing. Allele origin: germline. Affected: yes.
Comment: Frameshift variant predicted to result in protein truncation or nonsense mediated decay in a gene for which loss-of-function is a known mechanism of disease; Not observed in large population cohorts (Lek et al., 2016); Has not been previously published as pathogenic or benign to our knowledge

Counsyl
Classification: Likely pathogenic for Neuronal ceroid lipofuscinosis 2. Last evaluated: 2016-01-12. Review status: no assertion criteria provided. Collection method: clinical testing. Allele origin: unknown. Not counted in ClinVar's aggregate classification.

Literature cited by the submitters: PubMed 10330339 (cited by Labcorp Genetics (formerly Invitae), Labcorp).

NM_000391.4(TPP1):c.938_939del (p.Asn313fs)

Gene: TPP1 (tripeptidyl peptidase 1; minus strand). Cytogenetic location: 11p15.4.
Variant type: Deletion.
Coding change: c.938_939del on transcript NM_000391.4 (MANE Select); coding-DNA positions 938 to 939, 2 bases deleted (AT; older notation c.938_939delAT).
Protein change: p.Asn313fs; shifts the reading frame from asparagine 313.
Molecular consequence: frameshift variant.
Genome position (GRCh38, 1-based): chr11:6,616,451-6,616,452, AT deleted on the plus strand (AT on the coding strand, the reverse complement: TPP1 is on the minus strand). VCF-style (leftmost placement, unchanged base first): chr11-6616450-CAT-C. GRCh37 (hg19) VCF-style: chr11-6637681-CAT-C.
Other names: c.938_939del (NM_000391.3); short protein forms N313fs.
Identifiers: ClinVar variation 280248 (VCV000280248.13), dbSNP rs886041487, ClinGen allele CA10603170.